The following is an entry in ClinVar:

ClinVar aggregate classification (germline): Likely benign. Review status: criteria provided, multiple submitters, no conflicts (2 of 4 stars). 2 submissions from 2 submitters: Likely benign (2). Last evaluated 2025-02-28.

Allele frequency attached by ClinVar (database versions not stated): 1000 Genomes Project 30x 0.00016; 1000 Genomes Project 0.00020; gnomAD 0.00002; TOPMed 0.00002; gnomAD exomes 0.00003; ExAC 0.00005.

Submissions (2):

Labcorp Genetics (formerly Invitae), Labcorp
Classification: Likely benign. Last evaluated: 2025-02-28. Review status: criteria provided, single submitter. Criteria: Invitae Variant Classification Sherloc (09022015). Collection method: clinical testing. Allele origin: germline.

CeGaT Center for Human Genetics Tuebingen
Classification: Likely benign. Last evaluated: 2023-02-01. Review status: criteria provided, single submitter. Criteria: CeGaT Center For Human Genetics Tuebingen Variant Classification Criteria Version 2. Collection method: clinical testing. Allele origin: germline. Affected: yes. Observed: 1 variant allele.
Comment: FAT1: BP4, BP7

NM_005245.4(FAT1):c.3363G>A (p.Ser1121=)

Gene: FAT1 (FAT atypical cadherin 1; minus strand). Cytogenetic location: 4q35.2.
Variant type: single nucleotide variant.
Coding change: c.3363G>A on transcript NM_005245.4 (MANE Select); coding-DNA position 3363, G replaced by A.
Protein change: p.Ser1121=; no amino-acid change (serine 1121 retained).
Molecular consequence: synonymous variant.
Genome position (GRCh38, 1-based): chr4:186,663,516, C>T on the plus strand (G>A on the coding strand, the complement: FAT1 is on the minus strand). VCF-style: chr4-186663516-C-T. GRCh37 (hg19) VCF-style: chr4-187584670-C-T.
Identifiers: ClinVar variation 2655231 (VCV002655231.25), dbSNP rs527248976, ClinGen allele CA3167030.
Genomic context (GRCh38, chr4:186,663,516, plus strand): 5'-CTCTGATGTCTGTGGTGCATTGTCATTGACATCCTCAACCTCTATGTAGATCTCTATGAA[C>T]GATGAAAGAGGCACGACACCCTGATCGGTTGCAAAGACTGTTAGCCAATAATGGGAGGTC-3'
Protein context (NP_005236.2, residues 1111-1131): ATDQGVVPLS[Ser1121=]FIEIYIEVED